The following is an entry in ClinVar:

ClinVar aggregate classification (germline): Likely pathogenic (1 of 4 stars; one submission).

Conditions:
Autosomal recessive limb-girdle muscular dystrophy type 2J (LGMDR10). Also called: Limb-girdle muscular dystrophy, type 2J; MUSCULAR DYSTROPHY, LIMB-GIRDLE, AUTOSOMAL RECESSIVE 10. Identifiers: Orphanet 140922, MedGen C1837342, MONDO:0012127, OMIM 608807.
Dilated cardiomyopathy 1G (CMD1G). Identifiers: Orphanet 154, MedGen C1858763, MONDO:0011400, OMIM 604145.

Submission:

Labcorp Genetics (formerly Invitae), Labcorp
Classification: Likely pathogenic for Dilated cardiomyopathy 1G; Autosomal recessive limb-girdle muscular dystrophy type 2J. Last evaluated: 2024-02-28. Review status: criteria provided, single submitter. Criteria: Invitae Variant Classification Sherloc (09022015). Collection method: clinical testing. Allele origin: germline.
Comment: This sequence change creates a premature translational stop signal (p.Pro32904Glnfs*6) in the TTN gene. While this is not anticipated to result in nonsense mediated decay, it is expected to create a truncated TTN protein. This variant is not present in population databases (gnomAD no frequency). This variant has not been reported in the literature in individuals affected with TTN-related conditions. This variant is located in the A band of TTN (PMID: 25589632). Truncating variants in this region are significantly overrepresented in patients affected with dilated cardiomyopathy (PMID: 25589632). Truncating variants in this region have also been reported in individuals affected with autosomal recessive centronuclear myopathy (PMID: 23975875). In summary, the currently available evidence indicates that the variant is pathogenic, but additional data are needed to prove that conclusively. Therefore, this variant has been classified as Likely Pathogenic.

Literature cited by the submitters: PubMed 25589632; PubMed 23975875.

NM_001267550.2(TTN):c.98709del (p.Pro32904fs)

Genes: TTN-AS1 (TTN antisense RNA 1; plus strand), TTN (titin; minus strand). Cytogenetic location: 2q31.2.
Variant type: Deletion.
Coding change: c.98709del on transcript NM_001267550.2 (MANE Select); coding-DNA position 98709, one base deleted (T; older notation c.98709delT).
Protein change: p.Pro32904fs; shifts the reading frame from proline 32904.
Molecular consequence: frameshift variant. On other transcripts: non-coding transcript variant (1).
Genome position (GRCh38, 1-based): chr2:178,539,226, A deleted on the plus strand (T on the coding strand, the reverse complement: TTN is on the minus strand). VCF-style (leftmost placement, unchanged base first): chr2-178539225-GA-G. GRCh37 (hg19) VCF-style: chr2-179403952-GA-G.
Other names: c.93786del, p.Pro31263fs (NM_001256850.1); c.71514del, p.Pro23839fs (NM_003319.4); c.91005del, p.Pro30336fs (NM_133378.4); c.71889del, p.Pro23964fs (NM_133432.3); c.72090del, p.Pro24031fs (NM_133437.4); short protein forms P23839fs, P23964fs, P24031fs, P30336fs, P31263fs, P32904fs.
Identifiers: ClinVar variation 3754762 (VCV003754762.2).